The following is an entry in ClinVar:

ClinVar aggregate classification (germline): Benign. Review status: criteria provided, single submitter (1 of 4 stars). 3 submissions from 1 submitter: Benign (3). Last evaluated 2018-01-13.

Conditions:
Brooke-Spiegler syndrome. Also called: CYLD Cutaneous Syndrome. Identifiers: Orphanet 79493, MedGen C1857941, MONDO:0011512, OMIM 605041.
Familial multiple trichoepitheliomata. Also called: Familial multiple trichoepithelioma. Identifiers: Orphanet 79493, Orphanet 867, MedGen C1275122, MONDO:0011114.
Familial cylindromatosis. Also called: Turban tumor syndrome; ANCELL-SPIEGLER CYLINDROMAS. Identifiers: Orphanet 211, Orphanet 79493, MedGen C1851526, MONDO:0007565, OMIM 132700.

Allele frequency attached by ClinVar (database versions not stated): gnomAD exomes 0.00038; 1000 Genomes Project 0.00040; gnomAD 0.00042 and 0.00043; TOPMed 0.00043; 1000 Genomes Project 30x 0.00047.
gnomAD v4.1: 92 of 233,382 alleles (0.039%); highest among the groups gnomAD compares: Middle Eastern, 0.13%; no homozygotes.

Submissions (3):

Illumina Laboratory Services, Illumina
Classification: Benign for Trichoepithelioma, multiple familial, 1. Last evaluated: 2018-01-13. Review status: criteria provided, single submitter. Criteria: ICSL Variant Classification Criteria 13 December 2019. Collection method: clinical testing. Allele origin: germline.
Comment: This variant was observed in the ICSL laboratory as part of a predisposition screen in an ostensibly healthy population. It had not been previously curated by ICSL or reported in the Human Gene Mutation Database (HGMD: prior to June 1st, 2018), and was therefore a candidate for classification through an automated scoring system. Utilizing variant allele frequency, disease prevalence and penetrance estimates, and inheritance mode, an automated score was calculated to assess if this variant is too frequent to cause the disease. Based on the score and internal cut-off values, a variant classified as benign is not then subjected to further curation. The score for this variant resulted in a classification of benign for this disease.

Illumina Laboratory Services, Illumina
Classification: Benign for Familial cylindromatosis. Last evaluated: 2018-01-13. Review status: criteria provided, single submitter. Criteria: ICSL Variant Classification Criteria 13 December 2019. Collection method: clinical testing. Allele origin: germline.
Comment: the same text as in the submission from Illumina Laboratory Services, Illumina above.

Illumina Laboratory Services, Illumina
Classification: Benign for Brooke-Spiegler syndrome. Last evaluated: 2018-01-13. Review status: criteria provided, single submitter. Criteria: ICSL Variant Classification Criteria 13 December 2019. Collection method: clinical testing. Allele origin: germline.
Comment: the same text as in the submission from Illumina Laboratory Services, Illumina above.

NM_001378743.1(CYLD):c.*2615A>G

Genes: CYLD-AS2 (CYLD antisense RNA 2; minus strand), CYLD (CYLD lysine 63 deubiquitinase; plus strand). Cytogenetic location: 16q12.1.
Variant type: single nucleotide variant.
Coding change: c.*2615A>G on transcript NM_001378743.1 (MANE Select); 2615 bases downstream of the stop codon, A replaced by G.
Molecular consequence: 3 prime UTR variant. On other transcripts: non-coding transcript variant (1).
Genome position (GRCh38, 1-based): chr16:50,799,123, A>G. VCF-style: chr16-50799123-A-G. GRCh37 (hg19) VCF-style: chr16-50833034-A-G.
Other names: c.*2615A>G (NM_001042355.2, NM_001042412.3, NM_001378744.1 and 12 more transcripts).
Identifiers: ClinVar variation 319541 (VCV000319541.5), dbSNP rs181056407, ClinGen allele CA10643744.